The following is an entry in ClinVar:

ClinVar aggregate classification (germline): Uncertain significance (1 of 4 stars; one submission).

Conditions:
Hereditary cancer-predisposing syndrome. Also called: Neoplastic Syndromes, Hereditary; Tumor predisposition; Hereditary Cancer Syndrome; Hereditary neoplastic syndrome. Identifiers: Orphanet 140162, MedGen C0027672, MeSH D009386, MONDO:0015356.

Submission:

Ambry Genetics
Classification: Uncertain significance for Hereditary cancer-predisposing syndrome. Last evaluated: 2026-01-13. Review status: criteria provided, single submitter. Criteria: Ambry Variant Classification Scheme 2023. Collection method: clinical testing. Allele origin: germline.
Comment: The p.A877V variant (also known as c.2630C>T), located in coding exon 15 of the RET gene, results from a C to T substitution at nucleotide position 2630. The alanine at codon 877 is replaced by valine, an amino acid with similar properties. This amino acid position is highly conserved in available vertebrate species. In addition, this alteration is predicted to be deleterious by in silico analysis. Based on the available evidence, the clinical significance of this variant remains unclear.

NM_020975.6(RET):c.2630C>T (p.Ala877Val)

Gene: RET (ret proto-oncogene; plus strand). Cytogenetic location: 10q11.21.
Variant type: single nucleotide variant.
Coding change: c.2630C>T on transcript NM_020975.6 (MANE Select); coding-DNA position 2630, C replaced by T.
Protein change: p.Ala877Val; replaces alanine 877 with valine.
Molecular consequence: missense variant.
Genome position (GRCh38, 1-based): chr10:43,120,103, C>T. VCF-style: chr10-43120103-C-T. GRCh37 (hg19) VCF-style: chr10-43615551-C-T.
Other names: c.1640C>T, p.Ala547Val (NM_001406784.1); c.1613C>T, p.Ala538Val (NM_001406785.1); c.1604C>T, p.Ala535Val (NM_001406786.1, NM_001406783.1); c.1598C>T, p.Ala533Val (NM_001406787.1); c.1445C>T, p.Ala482Val (NM_001406788.1, NM_001406789.1, NM_001406790.1); c.1325C>T, p.Ala442Val (NM_001406791.1); c.1181C>T, p.Ala394Val (NM_001406792.1, NM_001406793.1, NM_001406794.1); c.2192C>T, p.Ala731Val (NM_001406773.1, NM_001406771.1); and 10 more; short protein forms A482V, A533V, A789V, A442V, A538V, A731V, A394V, A547V.
Identifiers: ClinVar variation 4844016 (VCV004844016.1).